The following is an entry in ClinVar:

NM_000051.4(ATM):c.119T>C (p.Ile40Thr)

Gene: ATM (ATM serine/threonine kinase; plus strand). Cytogenetic location: 11q22.3.
Variant type: single nucleotide variant.
Coding change: c.119T>C on transcript NM_000051.4 (MANE Select); coding-DNA position 119, T replaced by C.
Protein change: p.Ile40Thr; replaces isoleucine 40 with threonine.
Molecular consequence: missense variant.
Genome position (GRCh38, 1-based): chr11:108,227,822, T>C. VCF-style: chr11-108227822-T-C. GRCh37 (hg19) VCF-style: chr11-108098549-T-C.
Other names: c.119T>C, p.Ile40Thr (NM_001351834.2, NM_001351835.2, NM_001351836.2); short protein forms I40T.
Identifiers: ClinVar variation 1172213 (VCV001172213.3), dbSNP rs2135012557, ClinGen allele CA382519866.

ClinVar aggregate classification (germline): Uncertain significance. Review status: criteria provided, multiple submitters, no conflicts (2 of 4 stars). 2 submissions from 2 submitters: Uncertain significance (2). Last evaluated 2024-09-12.

Conditions:
Hereditary cancer-predisposing syndrome. Also called: Tumor predisposition; Hereditary neoplastic syndrome; Hereditary Cancer Syndrome; Neoplastic Syndromes, Hereditary. Identifiers: Orphanet 140162, MedGen C0027672, MeSH D009386, MONDO:0015356.

Submissions (2):

Ambry Genetics
Classification: Uncertain significance for Hereditary cancer-predisposing syndrome. Last evaluated: 2024-09-12. Review status: criteria provided, single submitter. Criteria: Ambry Variant Classification Scheme 2023. Collection method: clinical testing. Allele origin: germline.
Comment: The p.I40T variant (also known as c.119T>C), located in coding exon 2 of the ATM gene, results from a T to C substitution at nucleotide position 119. The isoleucine at codon 40 is replaced by threonine, an amino acid with similar properties. This amino acid position is poorly conserved in available vertebrate species. In addition, this alteration is predicted to be tolerated by in silico analysis. Based on the available evidence, the clinical significance of this variant remains unclear.

Color Diagnostics, LLC DBA Color Health
Classification: Uncertain significance for Hereditary cancer-predisposing syndrome. Last evaluated: 2021-02-12. Review status: criteria provided, single submitter. Criteria: ACMG Guidelines, 2015. Collection method: clinical testing. Allele origin: germline.
Comment: This missense variant replaces isoleucine with threonine at codon 40 of the ATM protein. Computational prediction suggests that this variant may not impact protein structure and function (internally defined REVEL score threshold <= 0.5, PMID: 27666373). To our knowledge, functional studies have not been reported for this variant. This variant has not been reported in individuals affected with hereditary cancer in the literature. This variant has not been identified in the general population by the Genome Aggregation Database (gnomAD). The available evidence is insufficient to determine the role of this variant in disease conclusively. Therefore, this variant is classified as a Variant of Uncertain Significance.